The following is an entry in ClinVar:

NM_004589.4(SCO1):c.203G>A (p.Ser68Asn)

Gene: SCO1 (synthesis of cytochrome C oxidase 1; minus strand). Cytogenetic location: 17p13.1.
Variant type: single nucleotide variant.
Coding change: c.203G>A on transcript NM_004589.4 (MANE Select); coding-DNA position 203, G replaced by A.
Protein change: p.Ser68Asn; replaces serine 68 with asparagine.
Molecular consequence: missense variant.
Genome position (GRCh38, 1-based): chr17:10,697,305, C>T on the plus strand (G>A on the coding strand, the complement: SCO1 is on the minus strand). VCF-style: chr17-10697305-C-T. GRCh37 (hg19) VCF-style: chr17-10600622-C-T.
Other names: short protein forms S68N.
Identifiers: ClinVar variation 1349711 (VCV001349711.9), dbSNP rs767557634, ClinGen allele CA8393686.

ClinVar aggregate classification (germline): Uncertain significance. Review status: criteria provided, multiple submitters, no conflicts (2 of 4 stars). 2 submissions from 2 submitters: Uncertain significance (2). Last evaluated 2023-04-05.

Conditions:
Mitochondrial complex IV deficiency, nuclear type 4. Also called: Mitochondrial complex 4 deficiency, nuclear type 4. Identifiers: MedGen C5436683, MONDO:0033636, OMIM 619048.

Allele frequency attached by ClinVar (database versions not stated): TOPMed 0.00001; gnomAD 0.00002; gnomAD exomes 0.00002 and 0.00003; ExAC 0.00009.

Submissions (2):

Labcorp Genetics (formerly Invitae), Labcorp
Classification: Uncertain significance. Last evaluated: 2023-04-05. Review status: criteria provided, single submitter. Criteria: Invitae Variant Classification Sherloc (09022015). Collection method: clinical testing. Allele origin: germline.
Comment: ClinVar contains an entry for this variant (Variation ID: 1349711). An algorithm developed to predict the effect of missense changes on protein structure and function (PolyPhen-2) suggests that this variant is likely to be tolerated. In summary, the available evidence is currently insufficient to determine the role of this variant in disease. Therefore, it has been classified as a Variant of Uncertain Significance. This sequence change replaces serine, which is neutral and polar, with asparagine, which is neutral and polar, at codon 68 of the SCO1 protein (p.Ser68Asn). This variant is present in population databases (rs767557634, gnomAD 0.005%). This variant has not been reported in the literature in individuals affected with SCO1-related conditions.

Fulgent Genetics
Classification: Uncertain significance for Mitochondrial complex IV deficiency, nuclear type 4. Last evaluated: 2021-11-05. Review status: criteria provided, single submitter. Criteria: ACMG Guidelines, 2015. Collection method: clinical testing. Allele origin: unknown.